The following is an entry in ClinVar:

ClinVar aggregate classification (germline): Uncertain significance. Review status: criteria provided, multiple submitters, no conflicts (2 of 4 stars). 2 submissions from 2 submitters: Uncertain significance (2). Last evaluated 2024-08-07.

Conditions:
Multiple congenital anomalies-hypotonia-seizures syndrome 3 (MCAHS3). Also called: GLYCOSYLPHOSPHATIDYLINOSITOL BIOSYNTHESIS DEFECT 7. Identifiers: Orphanet 369837, MedGen C3809356, MONDO:0014165, OMIM 615398.

Allele frequency attached by ClinVar (database versions not stated): ExAC 0.00001; gnomAD exomes 0.00002; TOPMed 0.00002; gnomAD 0.00003.
gnomAD v4.1: 38 of 1,613,778 alleles (0.0024%); highest among the groups gnomAD compares: Admixed American, 0.01%; no homozygotes.

Submissions (2):

GeneDx
Classification: Uncertain significance. Last evaluated: 2024-08-07. Review status: criteria provided, single submitter. Criteria: GeneDx Variant Classification Process June 2021. Collection method: clinical testing. Allele origin: germline. Affected: yes.
Comment: Not observed at significant frequency in large population cohorts (gnomAD); In silico analysis supports that this missense variant has a deleterious effect on protein structure/function; Has not been previously published as pathogenic or benign to our knowledge

Labcorp Genetics (formerly Invitae), Labcorp
Classification: Uncertain significance for Multiple congenital anomalies-hypotonia-seizures syndrome 3. Last evaluated: 2022-08-21. Review status: criteria provided, single submitter. Criteria: Invitae Variant Classification Sherloc (09022015). Collection method: clinical testing. Allele origin: germline.
Comment: This sequence change replaces arginine, which is basic and polar, with histidine, which is basic and polar, at codon 571 of the PIGT protein (p.Arg571His). This variant is present in population databases (rs763776836, gnomAD 0.006%). This variant has not been reported in the literature in individuals affected with PIGT-related conditions. Algorithms developed to predict the effect of missense changes on protein structure and function are either unavailable or do not agree on the potential impact of this missense change (SIFT: "Deleterious"; PolyPhen-2: "Probably Damaging"; Align-GVGD: "Class C0"). In summary, the available evidence is currently insufficient to determine the role of this variant in disease. Therefore, it has been classified as a Variant of Uncertain Significance.

NM_015937.6(PIGT):c.1712G>A (p.Arg571His)

Gene: PIGT (phosphatidylinositol glycan anchor biosynthesis class T; plus strand). Cytogenetic location: 20q13.12.
Variant type: single nucleotide variant.
Coding change: c.1712G>A on transcript NM_015937.6 (MANE Select); coding-DNA position 1712, G replaced by A.
Protein change: p.Arg571His; replaces arginine 571 with histidine.
Molecular consequence: missense variant. On other transcripts: non-coding transcript variant (5).
Genome position (GRCh38, 1-based): chr20:45,425,801, G>A. VCF-style: chr20-45425801-G-A. GRCh37 (hg19) VCF-style: chr20-44054441-G-A.
Other names: c.1544G>A, p.Arg515His (NM_001184728.3); c.1511G>A, p.Arg504His (NM_001184729.3); c.1406G>A, p.Arg469His (NM_001184730.3); c.1712G>A (NM_015937.5); short protein forms R504H, R469H, R515H, R571H.
Identifiers: ClinVar variation 2192835 (VCV002192835.2), dbSNP rs763776836, ClinGen allele CA9878368.
Genomic context (GRCh38, chr20:45,425,801, plus strand): 5'-TCCACATCGAGGAGCCCCGCACAGGTGGCCTGGCCAAGCGGCTGGCCAACCTTATCCGGC[G>A]CGCCCGAGGTGTCCCCCCACTCTGATTCTTGCCCTTTCCAGCAGCTGCAGCTGCCGTTTC-3'
Protein context (NP_057021.2, residues 561-578): LAKRLANLIR[Arg571His]ARGVPPL